The following is an entry in ClinVar:

NM_020988.3(GNAO1):c.617G>C (p.Arg206Pro)

Gene: GNAO1 (G protein subunit alpha o1; plus strand). Cytogenetic location: 16q13.
Variant type: single nucleotide variant.
Coding change: c.617G>C on transcript NM_020988.3 (MANE Select); coding-DNA position 617, G replaced by C.
Protein change: p.Arg206Pro; replaces arginine 206 with proline.
Molecular consequence: missense variant.
Genome position (GRCh38, 1-based): chr16:56,336,754, G>C. VCF-style: chr16-56336754-G-C. GRCh37 (hg19) VCF-style: chr16-56370666-G-C.
Other names: c.617G>C, p.Arg206Pro (NM_138736.3); short protein forms R206P.
Identifiers: ClinVar variation 5018679 (VCV005018679.2).

ClinVar aggregate classification (germline): Likely pathogenic (1 of 4 stars; one submission).

Conditions:
Neurodevelopmental disorder with involuntary movements (NEDIM). Identifiers: Orphanet 592564, MedGen C4479569, MONDO:0060491, OMIM 617493.
Developmental and epileptic encephalopathy, 17 (DEE17). Also called: Early infantile epileptic encephalopathy 17. Identifiers: Orphanet 1934, MedGen C3809606, MONDO:0014199, OMIM 615473.

Submission:

Juno Genomics, Hangzhou Juno Genomics, Inc
Classification: Likely pathogenic for Developmental and epileptic encephalopathy, 17; Neurodevelopmental disorder with involuntary movements. Review status: criteria provided, single submitter. Criteria: ACMG Guidelines, 2015. Collection method: clinical testing. Allele origin: germline.
Comment: Absent from controls (or at extremely low frequency if recessive) in Genome Aggregation Database.;Missense variant in a gene that has a low rate of benign missense variation.;Multiple lines of computational evidence support a deleterious effect on the gene or gene product.;Novel missense change at an amino acid residue where a different missense change determined to be pathogenic has been seen before.;De novo (both maternity and paternity confirmed) in a patient with the disease and no family history.